The following is an entry in ClinVar:

NM_020832.3(ZNF687):c.2582C>T (p.Pro861Leu)

Gene: ZNF687 (zinc finger protein 687; plus strand). Cytogenetic location: 1q21.3.
Variant type: single nucleotide variant.
Coding change: c.2582C>T on transcript NM_020832.3 (MANE Select); coding-DNA position 2582, C replaced by T.
Protein change: p.Pro861Leu; replaces proline 861 with leucine.
Molecular consequence: missense variant.
Genome position (GRCh38, 1-based): chr1:151,289,488, C>T. VCF-style: chr1-151289488-C-T. GRCh37 (hg19) VCF-style: chr1-151261964-C-T.
Other names: c.2582C>T, p.Pro861Leu (NM_001304763.2, NM_001304764.2); short protein forms P861L.
Identifiers: ClinVar variation 3688010 (VCV003688010.2).

ClinVar aggregate classification (germline): Uncertain significance (1 of 4 stars; one submission).

gnomAD v4.1: 21 of 1,614,118 alleles (0.0013%); highest among the groups gnomAD compares: Non-Finnish European, 0.0017%; no homozygotes.

Submission:

Labcorp Genetics (formerly Invitae), Labcorp
Classification: Uncertain significance. Last evaluated: 2025-06-02. Review status: criteria provided, single submitter. Criteria: Invitae Variant Classification Sherloc (09022015). Collection method: clinical testing. Allele origin: germline.
Comment: This sequence change replaces proline, which is neutral and non-polar, with leucine, which is neutral and non-polar, at codon 861 of the ZNF687 protein (p.Pro861Leu). This variant is present in population databases (rs765661034, gnomAD 0.002%). This variant has not been reported in the literature in individuals affected with ZNF687-related conditions. ClinVar contains an entry for this variant (Variation ID: 3688010). An algorithm developed to predict the effect of missense changes on protein structure and function (PolyPhen-2) suggests that this variant is likely to be disruptive. In summary, the available evidence is currently insufficient to determine the role of this variant in disease. Therefore, it has been classified as a Variant of Uncertain Significance.